The following is an entry in ClinVar:

ClinVar aggregate classification (germline): Pathogenic. Review status: reviewed by expert panel (3 of 4 stars). 7 submissions from 6 submitters: Pathogenic (1). 6 of the submissions do not count toward it. Last evaluated 2017-03-17.

Conditions:
CFTR-related disorder (CFTR-RD). Also called: CFTR-related disorders; CFTR-related condition. Identifiers: MedGen C5924204, MONDO:7770004.
Bronchiectasis with or without elevated sweat chloride 1 (BESC1). Also called: Cystic Fibrosis-Like Syndrome. Identifiers: Orphanet 60033, MedGen C2749757, MONDO:0008887, OMIM 211400.
Hereditary pancreatitis (PCTT). Also called: PRSS1-Related Hereditary Pancreatitis; Hereditary chronic pancreatitis. Identifiers: Orphanet 676, MedGen C0238339, MONDO:0008185, OMIM 167800.
Cystic fibrosis (CF). Also called: MUCOVISCIDOSIS. Identifiers: Orphanet 586, MedGen C0010674, MONDO:0009061, OMIM 219700. Disease mechanism: loss of function.
Congenital bilateral aplasia of vas deferens from CFTR mutation (CBAVD). Identifiers: Orphanet 48, MedGen C0403814, MONDO:0010178, OMIM 277180. Disease mechanism: loss of function.

Submissions (7):

CFTR2
Classification: Pathogenic for Cystic fibrosis. Last evaluated: 2017-03-17. Review status: reviewed by expert panel. Criteria: Sosnay PR et al. (Nat Genet 2013). Collection method: research. Allele origin: germline. Affected: yes. Study: CFTR2.

Fulgent Genetics
Classification: Pathogenic for Hereditary pancreatitis; Bronchiectasis with or without elevated sweat chloride 1; Cystic fibrosis; Congenital bilateral aplasia of vas deferens from CFTR mutation. Last evaluated: 2023-12-30. Review status: criteria provided, single submitter. Criteria: ACMG Guidelines, 2015. Collection method: clinical testing. Allele origin: germline. Not counted in ClinVar's aggregate classification.

Labcorp Genetics (formerly Invitae), Labcorp
Classification: Pathogenic for Cystic fibrosis. Last evaluated: 2021-12-16. Review status: criteria provided, single submitter. Criteria: Invitae Variant Classification Sherloc (09022015). Collection method: clinical testing. Allele origin: germline. Not counted in ClinVar's aggregate classification.
Comment: This sequence change creates a premature translational stop signal (p.Leu88*) in the CFTR gene. It is expected to result in an absent or disrupted protein product. Loss-of-function variants in CFTR are known to be pathogenic (PMID: 1695717, 7691345, 9725922). For these reasons, this variant has been classified as Pathogenic. ClinVar contains an entry for this variant (Variation ID: 53532). This premature translational stop signal has been observed in individuals with cystic fibrosis (PMID: 1284542, 18955805, 23302613). This variant is not present in population databases (gnomAD no frequency).

Genome Diagnostics Laboratory, The Hospital for Sick Children
Classification: Pathogenic for Cystic fibrosis. Last evaluated: 2020-07-30. Review status: criteria provided, single submitter. Criteria: ACMG Guidelines, 2015. Collection method: clinical testing. Allele origin: germline. Not counted in ClinVar's aggregate classification.

Genome Diagnostics Laboratory, The Hospital for Sick Children
Classification: Pathogenic for CFTR-related disorders. Last evaluated: 2020-07-30. Review status: no assertion criteria provided. Collection method: clinical testing. Allele origin: germline. Not counted in ClinVar's aggregate classification.

Natera, Inc.
Classification: Pathogenic for CFTR-related disorders. Last evaluated: 2017-03-17. Review status: no assertion criteria provided. Collection method: clinical testing. Allele origin: germline. Not counted in ClinVar's aggregate classification.

ClinVar Staff, National Center for Biotechnology Information (NCBI)
No classification provided. Condition: CFTR-related disorders. Review status: no classification provided. Collection method: literature only. Allele origin: germline. Affected: yes. Not counted in ClinVar's aggregate classification.

Literature cited by the submitters: PubMed 1695717 (cited by Labcorp Genetics (formerly Invitae), Labcorp); PubMed 7691345 (cited by Labcorp Genetics (formerly Invitae), Labcorp); PubMed 9725922 (cited by Labcorp Genetics (formerly Invitae), Labcorp); PubMed 1284542 (cited by Labcorp Genetics (formerly Invitae), Labcorp); PubMed 18955805 (cited by Labcorp Genetics (formerly Invitae), Labcorp); PubMed 23302613 (cited by Labcorp Genetics (formerly Invitae), Labcorp); PubMed 7512860 (cited by ClinVar Staff, National Center for Biotechnology Information (NCBI)).

NM_000492.4(CFTR):c.263T>A (p.Leu88Ter)

Gene: CFTR (CF transmembrane conductance regulator; plus strand). Cytogenetic location: 7q31.2.
Variant type: single nucleotide variant.
Coding change: c.263T>A on transcript NM_000492.4 (MANE Select); coding-DNA position 263, T replaced by A.
Protein change: p.Leu88Ter; replaces leucine 88 with a stop codon.
Molecular consequence: nonsense.
Genome position (GRCh38, 1-based): chr7:117,509,132, T>A. VCF-style: chr7-117509132-T-A. GRCh37 (hg19) VCF-style: chr7-117149186-T-A.
Other names: short protein forms L88*.
Identifiers: ClinVar variation 53532 (VCV000053532.10), dbSNP rs397508412, ClinGen allele CA326872.